The following is an entry in ClinVar:

NM_004646.4(NPHS1):c.2160dup (p.Cys721fs)

Gene: NPHS1 (NPHS1 adhesion molecule, nephrin; minus strand). Cytogenetic location: 19q13.12.
Variant type: Duplication.
Coding change: c.2160dup on transcript NM_004646.4 (MANE Select); coding-DNA position 2160, one base duplicated (C; older notation c.2160dupC).
Protein change: p.Cys721fs; shifts the reading frame from cysteine 721.
Molecular consequence: frameshift variant.
Genome position (GRCh38, 1-based): chr19:35,844,155, G duplicated on the plus strand (C on the coding strand, the reverse complement: NPHS1 is on the minus strand). VCF-style (leftmost placement, unchanged base first): chr19-35844154-A-AG. GRCh37 (hg19) VCF-style: chr19-36335056-A-AG.
Other names: c.2160_2161insC (NM_004646.3); short protein forms C721fs.
Identifiers: ClinVar variation 56464 (VCV000056464.4), dbSNP rs386833904, ClinGen allele CA250170.

ClinVar aggregate classification (germline): Pathogenic. Review status: criteria provided, multiple submitters, no conflicts (2 of 4 stars). 3 submissions from 3 submitters: Pathogenic (2). 1 of the submissions does not count toward it. Last evaluated 2024-04-05.

Conditions:
Finnish congenital nephrotic syndrome (NPHS1). Also called: NEPHROTIC SYNDROME, TYPE 1. Identifiers: Orphanet 839, MedGen C0403399, MONDO:0009732, OMIM 256300.

Submissions (3):

Fulgent Genetics
Classification: Pathogenic for Finnish congenital nephrotic syndrome. Last evaluated: 2024-04-05. Review status: criteria provided, single submitter. Criteria: ACMG Guidelines, 2015. Collection method: clinical testing. Allele origin: germline.

Baylor Genetics
Classification: Pathogenic for Finnish congenital nephrotic syndrome. Last evaluated: 2023-08-02. Review status: criteria provided, single submitter. Criteria: ACMG Guidelines, 2015. Collection method: clinical testing. Allele origin: unknown.

Juha Muilu Group; Institute for Molecular Medicine Finland (FIMM)
Classification: Likely pathogenic for Finnish congenital nephrotic syndrome. Review status: no assertion criteria provided. Collection method: not provided. Allele origin: unknown. Not counted in ClinVar's aggregate classification.
Comment: FinDis database variant: This variant was not found or characterized by our laboratory, data were collected from public sources: see reference
ClinVar note: Converted during submission from probable-pathogenic to Likely pathogenic.